The following is an entry in ClinVar:

ClinVar aggregate classification (germline): Uncertain significance (1 of 4 stars; one submission).

Conditions:
Generalized pustular psoriasis. Identifiers: Orphanet 247353, MedGen C0343055, MONDO:0100491.

Allele frequency attached by ClinVar (database versions not stated): gnomAD exomes below 0.00001; ExAC 0.00001; gnomAD 0.00001; ESP Exome Variant Server 0.00008.
gnomAD v4.1: 7 of 1,613,968 alleles (0.00043%); highest among the groups gnomAD compares: African/African-American, 0.0027%; no homozygotes.

Submission:

Labcorp Genetics (formerly Invitae), Labcorp
Classification: Uncertain significance for Generalized pustular psoriasis. Last evaluated: 2022-01-17. Review status: criteria provided, single submitter. Criteria: Invitae Variant Classification Sherloc (09022015). Collection method: clinical testing. Allele origin: germline.
Comment: Algorithms developed to predict the effect of missense changes on protein structure and function are either unavailable or do not agree on the potential impact of this missense change (SIFT: "Deleterious"; PolyPhen-2: "Benign"; Align-GVGD: "Class C35"). In summary, the available evidence is currently insufficient to determine the role of this variant in disease. Therefore, it has been classified as a Variant of Uncertain Significance. Algorithms developed to predict the effect of sequence changes on RNA splicing suggest that this variant may create or strengthen a splice site. This missense change has been observed in individual(s) with generalized pustular psoriasis (PMID: 23863864). This variant is present in population databases (rs371819085, gnomAD 0.0009%). This sequence change replaces arginine, which is basic and polar, with glutamine, which is neutral and polar, at codon 102 of the IL36RN protein (p.Arg102Gln).

Literature cited by the submitters: PubMed 23863864.

NM_012275.3(IL36RN):c.305G>A (p.Arg102Gln)

Gene: IL36RN (interleukin 36 receptor antagonist; plus strand). Cytogenetic location: 2q14.1.
Variant type: single nucleotide variant.
Coding change: c.305G>A on transcript NM_012275.3 (MANE Select); coding-DNA position 305, G replaced by A.
Protein change: p.Arg102Gln; replaces arginine 102 with glutamine.
Molecular consequence: missense variant.
Genome position (GRCh38, 1-based): chr2:113,062,514, G>A. VCF-style: chr2-113062514-G-A. GRCh37 (hg19) VCF-style: chr2-113820091-G-A.
Other names: c.305G>A, p.Arg102Gln (NM_173170.1); short protein forms R102Q.
Identifiers: ClinVar variation 2170635 (VCV002170635.2), dbSNP rs371819085, ClinGen allele CA1838432.